The following is an entry in ClinVar:

ClinVar aggregate classification (germline): Benign/Likely benign. Review status: criteria provided, multiple submitters, no conflicts (2 of 4 stars). 8 submissions from 8 submitters: Benign (6); Likely benign (2). Last evaluated 2026-02-02.

Conditions:
Bartter disease type 1. Also called: HYPERPROSTAGLANDIN E SYNDROME 1; Bartter syndrome, type 1, antenatal; Bartter Syndrome type 1; HYPOKALEMIC ALKALOSIS WITH HYPERCALCIURIA 1, ANTENATAL. Identifiers: Orphanet 112, Orphanet 620217, MedGen C1866495, MONDO:0100344, OMIM 601678, MONDO:0011127.

Allele frequency attached by ClinVar (database versions not stated): gnomAD 0.00377 and 0.00348; TOPMed 0.00668; 1000 Genomes Project 0.00739; 1000 Genomes Project 30x 0.00765; ESP Exome Variant Server 0.00062.
gnomAD v4.1: 3,732 of 1,613,390 alleles (0.23%); highest among the groups gnomAD compares: Admixed American, 5%; 113 homozygotes.

Submissions (8):

Labcorp Genetics (formerly Invitae), Labcorp
Classification: Benign. Last evaluated: 2026-02-02. Review status: criteria provided, single submitter. Criteria: Invitae Variant Classification Sherloc (09022015). Collection method: clinical testing. Allele origin: germline.

Blueprint Genetics
Classification: Likely benign. Last evaluated: 2024-11-26. Review status: criteria provided, single submitter. Criteria: ACMG Guidelines, 2015. Collection method: clinical testing. Allele origin: germline.

Mayo Clinic Laboratories, Mayo Clinic
Classification: Benign. Last evaluated: 2022-03-09. Review status: criteria provided, single submitter. Criteria: ACMG Guidelines, 2015. Collection method: clinical testing. Allele origin: germline. Observed: 2 variant alleles.

Fulgent Genetics
Classification: Likely benign for Bartter disease type 1. Last evaluated: 2021-07-17. Review status: criteria provided, single submitter. Criteria: ACMG Guidelines, 2015. Collection method: clinical testing. Allele origin: unknown.

GeneDx
Classification: Benign. Last evaluated: 2019-12-08. Review status: criteria provided, single submitter. Criteria: GeneDx Variant Classification Process June 2021. Collection method: clinical testing. Allele origin: germline. Affected: yes.

Athena Diagnostics
Classification: Benign. Last evaluated: 2019-08-01. Review status: criteria provided, single submitter. Criteria: Athena Diagnostics Criteria. Collection method: clinical testing. Allele origin: germline.

Illumina Laboratory Services, Illumina
Classification: Benign for Bartter disease type 1. Last evaluated: 2018-01-13. Review status: criteria provided, single submitter. Criteria: ICSL Variant Classification Criteria 13 December 2019. Collection method: clinical testing. Allele origin: germline.
Comment: This variant was observed in the ICSL laboratory as part of a predisposition screen in an ostensibly healthy population. It had not been previously curated by ICSL or reported in the Human Gene Mutation Database (HGMD: prior to June 1st, 2018), and was therefore a candidate for classification through an automated scoring system. Utilizing variant allele frequency, disease prevalence and penetrance estimates, and inheritance mode, an automated score was calculated to assess if this variant is too frequent to cause the disease. Based on the score and internal cut-off values, a variant classified as benign is not then subjected to further curation. The score for this variant resulted in a classification of benign for this disease.

Breakthrough Genomics
Classification: Benign. Review status: criteria provided, single submitter. Criteria: ACMG Guidelines, 2015. Collection method: not provided. Allele origin: germline. Inheritance: Autosomal recessive inheritance. Affected: yes.

NM_000338.3(SLC12A1):c.2198C>T (p.Ala733Val)

Gene: SLC12A1 (solute carrier family 12 member 1; plus strand). Cytogenetic location: 15q21.1.
Variant type: single nucleotide variant.
Coding change: c.2198C>T on transcript NM_000338.3 (MANE Select); coding-DNA position 2198, C replaced by T.
Protein change: p.Ala733Val; replaces alanine 733 with valine.
Molecular consequence: missense variant.
Genome position (GRCh38, 1-based): chr15:48,267,604, C>T. VCF-style: chr15-48267604-C-T. GRCh37 (hg19) VCF-style: chr15-48559801-C-T.
Other names: p.Ala733Val; c.2198C>T, p.Ala733Val (NM_001184832.2); short protein forms A733V.
Identifiers: ClinVar variation 316265 (VCV000316265.21), dbSNP rs141858745, ClinGen allele CA7547316.